The following is an entry in ClinVar:

ClinVar aggregate classification (germline): Uncertain significance (1 of 4 stars; one submission).

Submission:

Labcorp Genetics (formerly Invitae), Labcorp
Classification: Uncertain significance. Last evaluated: 2025-07-31. Review status: criteria provided, single submitter. Criteria: Invitae Variant Classification Sherloc (09022015). Collection method: clinical testing. Allele origin: germline.
Comment: This sequence change replaces isoleucine, which is neutral and non-polar, with valine, which is neutral and non-polar, at codon 166 of the JAK2 protein (p.Ile166Val). This variant is not present in population databases (gnomAD no frequency). This variant has not been reported in the literature in individuals affected with JAK2-related conditions. ClinVar contains an entry for this variant (Variation ID: 3014192). Invitae Evidence Modeling of protein sequence and biophysical properties (such as structural, functional, and spatial information, amino acid conservation, physicochemical variation, residue mobility, and thermodynamic stability) indicates that this missense variant is not expected to disrupt JAK2 protein function with a negative predictive value of 95%. In summary, the available evidence is currently insufficient to determine the role of this variant in disease. Therefore, it has been classified as a Variant of Uncertain Significance.

NM_004972.4(JAK2):c.496A>G (p.Ile166Val)

Genes: INSL6 (insulin like 6; minus strand), JAK2 (Janus kinase 2; plus strand). Cytogenetic location: 9p24.1.
Variant type: single nucleotide variant.
Coding change: c.496A>G on transcript NM_004972.4 (MANE Select); coding-DNA position 496, A replaced by G.
Protein change: p.Ile166Val; replaces isoleucine 166 with valine.
Molecular consequence: missense variant. On other transcripts: 5 prime UTR variant (2), non-coding transcript variant (2).
Genome position (GRCh38, 1-based): chr9:5,050,713, A>G. VCF-style: chr9-5050713-A-G. GRCh37 (hg19) VCF-style: chr9-5050713-A-G.
Other names: c.496A>G, p.Ile166Val (NM_001322194.2, NM_001322195.2, NM_001322196.2); c.-625A>G (NM_001322198.2, NM_001322199.2); c.49A>G, p.Ile17Val (NM_001322204.2); short protein forms I17V, I166V.
Identifiers: ClinVar variation 3014192 (VCV003014192.3), dbSNP rs907414891, ClinGen allele CA188408909.